The following is an entry in ClinVar:

NM_007294.4(BRCA1):c.1253del (p.Glu418fs)

Gene: BRCA1 (BRCA1 DNA repair associated; minus strand). Cytogenetic location: 17q21.31.
Variant type: Deletion.
Coding change: c.1253del on transcript NM_007294.4 (MANE Select); coding-DNA position 1253, one base deleted (A; older notation c.1253delA).
Protein change: p.Glu418fs; shifts the reading frame from glutamic acid 418.
Molecular consequence: frameshift variant. On other transcripts: intron variant (137).
Genome position (GRCh38, 1-based): chr17:43,094,278, T deleted on the plus strand (A on the coding strand, the reverse complement: BRCA1 is on the minus strand). VCF-style (leftmost placement, unchanged base first): chr17-43094277-CT-C. GRCh37 (hg19) VCF-style: chr17-41246294-CT-C.
Other names: 1372delA; c.1175del, p.Glu392fs (NM_001407656.1, NM_001407657.1, NM_001407658.1 and 4 more transcripts); c.1172del, p.Glu391fs (NM_001407659.1, NM_001407660.1, NM_001407661.1 and 1 more transcripts); c.1130del, p.Glu377fs (NM_001407664.1, NM_001407665.1, NM_001407666.1 and 19 more transcripts); c.1127del, p.Glu376fs (NM_001407670.1, NM_001407671.1, NM_001407672.1 and 11 more transcripts); c.1253del, p.Glu418fs (NM_001407684.1, NM_001407854.1, NM_001407858.1 and 30 more transcripts); c.1112del, p.Glu371fs (NM_001407692.1, NM_001407694.1, NM_001407695.1 and 29 more transcripts); c.1109del, p.Glu370fs (NM_001407740.1, NM_001407741.1, NM_001407742.1 and 20 more transcripts); and 42 more; short protein forms E371fs, E418fs, E250fs, E291fs, E377fs, E392fs, E122fs, E306fs.
Identifiers: ClinVar variation 266149 (VCV000266149.4), dbSNP rs886039937, ClinGen allele CA10589955.

ClinVar aggregate classification (germline): Pathogenic (3 of 4 stars; one submission).

Conditions:
Breast-ovarian cancer, familial, susceptibility to, 1 (BROVCA1). Also called: BRCA1 Hereditary Breast and Ovarian Cancer; OVARIAN CANCER, SUSCEPTIBILITY TO. Identifiers: Orphanet 145, MedGen C2676676, MONDO:0011450, OMIM 604370. Disease mechanism: loss of function.

Submission:

Evidence-based Network for the Interpretation of Germline Mutant Alleles (ENIGMA)
Classification: Pathogenic for Breast-ovarian cancer, familial, susceptibility to, 1. Last evaluated: 2016-10-18. Review status: reviewed by expert panel. Criteria: ENIGMA BRCA1/2 Classification Criteria (2015). Collection method: curation. Allele origin: germline.
Comment: Variant allele predicted to encode a truncated non-functional protein.